The following is an entry in ClinVar:

ClinVar aggregate classification (germline): Likely benign. Review status: criteria provided, multiple submitters, no conflicts (2 of 4 stars). 3 submissions from 3 submitters: Likely benign (3). Last evaluated 2026-02-24.

Conditions:
TTN-related disorder. Also called: TTN-related disorders; TTN-related condition; TTN-related disease.
Autosomal recessive limb-girdle muscular dystrophy type 2J (LGMDR10). Also called: MUSCULAR DYSTROPHY, LIMB-GIRDLE, AUTOSOMAL RECESSIVE 10; Limb-girdle muscular dystrophy, type 2J. Identifiers: Orphanet 140922, MedGen C1837342, MONDO:0012127, OMIM 608807.
Dilated cardiomyopathy 1G (CMD1G). Identifiers: Orphanet 154, MedGen C1858763, MONDO:0011400, OMIM 604145.
Cardiovascular phenotype. Identifiers: MedGen CN230736.

Allele frequency attached by ClinVar (database versions not stated): gnomAD exomes below 0.00001.
gnomAD v4.1: 1 of 1,612,892 alleles (0.000062%); highest among the groups gnomAD compares: Non-Finnish European, 0.000085%; no homozygotes.

Submissions (3):

PreventionGenetics, part of Exact Sciences
Classification: Likely benign for TTN-related condition. Last evaluated: 2026-02-24. Review status: criteria provided, single submitter. Criteria: ACMG Guidelines, 2015. Collection method: clinical testing. Allele origin: germline.
Comment: This variant is classified as likely benign based on ACMG/AMP sequence variant interpretation guidelines (Richards et al. 2015 PMID: 25741868, with internal and published modifications).

Labcorp Genetics (formerly Invitae), Labcorp
Classification: Likely benign for Dilated cardiomyopathy 1G; Autosomal recessive limb-girdle muscular dystrophy type 2J. Last evaluated: 2025-07-20. Review status: criteria provided, single submitter. Criteria: Invitae Variant Classification Sherloc (09022015). Collection method: clinical testing. Allele origin: germline.

Ambry Genetics
Classification: Likely benign for Cardiovascular phenotype. Last evaluated: 2022-03-09. Review status: criteria provided, single submitter. Criteria: Ambry Variant Classification Scheme 2023. Collection method: clinical testing. Allele origin: germline.

NM_001267550.2(TTN):c.76557C>A (p.Ile25519=)

Genes: TTN-AS1 (TTN antisense RNA 1; plus strand), TTN (titin; minus strand). Cytogenetic location: 2q31.2.
Variant type: single nucleotide variant.
Coding change: c.76557C>A on transcript NM_001267550.2 (MANE Select); coding-DNA position 76557, C replaced by A.
Protein change: p.Ile25519=; no amino-acid change (isoleucine 25519 retained).
Molecular consequence: synonymous variant.
Genome position (GRCh38, 1-based): chr2:178,569,575, G>T on the plus strand (C>A on the coding strand, the complement: TTN is on the minus strand). VCF-style: chr2-178569575-G-T. GRCh37 (hg19) VCF-style: chr2-179434302-G-T.
Other names: c.71634C>A, p.Ile23878= (NM_001256850.1); c.49362C>A, p.Ile16454= (NM_003319.4); c.68853C>A, p.Ile22951= (NM_133378.4); c.49737C>A, p.Ile16579= (NM_133432.3); c.49938C>A, p.Ile16646= (NM_133437.4).
Identifiers: ClinVar variation 1744228 (VCV001744228.6), dbSNP rs2468411963, ClinGen allele CA430254277.
Genomic context (GRCh38, chr2:178,569,575, plus strand): 5'-TGTAGGACGACCTTTTATAGGAACAAATAACCTTAAGGAGCCACCTGCCCTTATATTTAT[G>T]ATTTTCCTTAGTTCTAGGTCAAGATCAATGTCTGGTGCTTCTAATTTTTCTTCAACTATA-3'
Protein context (NP_001254479.2, residues 25509-25529): DIDLDLELRK[Ile25519=]INIRAGGSLR